The following is an entry in ClinVar:

NM_014956.5(CEP164):c.3162C>T (p.Ser1054=)

Gene: CEP164 (centrosomal protein 164; plus strand). Cytogenetic location: 11q23.3.
Variant type: single nucleotide variant.
Coding change: c.3162C>T on transcript NM_014956.5 (MANE Select); coding-DNA position 3162, C replaced by T.
Protein change: p.Ser1054=; no amino-acid change (serine 1054 retained).
Molecular consequence: synonymous variant.
Genome position (GRCh38, 1-based): chr11:117,396,126, C>T. VCF-style: chr11-117396126-C-T. GRCh37 (hg19) VCF-style: chr11-117266842-C-T.
Other names: c.3162C>T (NM_014956.4); c.3171C>T, p.Ser1057= (NM_001271933.2).
Identifiers: ClinVar variation 1537816 (VCV001537816.10), dbSNP rs777528751, ClinGen allele CA6295353.
Genomic context (GRCh38, chr11:117,396,126, plus strand): 5'-TGAAGCTCAAAAGAAGCAGCACCTGTTGAGAGAAGTGACAGTTGAGGAAAATAATGCTTC[C>T]CCACATTTTGAGCCAGATCTCCATATTGAGGACCTGAGGAAATCCCTTGGAACAGTGAGC-3'
Protein context (NP_055771.4, residues 1044-1064): REVTVEENNA[Ser1054=]PHFEPDLHIE

ClinVar aggregate classification (germline): Likely benign. Review status: criteria provided, multiple submitters, no conflicts (2 of 4 stars). 3 submissions from 3 submitters: Likely benign (3). Last evaluated 2025-09-21.

Conditions:
Nephronophthisis 15 (NPHP15). Identifiers: Orphanet 3156, MedGen C3541853, MONDO:0013917, OMIM 614845.
CEP164-related disorder. Also called: CEP164-related condition.

Allele frequency attached by ClinVar (database versions not stated): gnomAD 0.00001; ExAC 0.00002; gnomAD exomes 0.00002 and 0.00004; TOPMed 0.00002.
gnomAD v4.1: 58 of 1,614,018 alleles (0.0036%); highest among the groups gnomAD compares: Non-Finnish European, 0.0047%; no homozygotes.

Submissions (3):

Labcorp Genetics (formerly Invitae), Labcorp
Classification: Likely benign for Nephronophthisis 15. Last evaluated: 2025-09-21. Review status: criteria provided, single submitter. Criteria: Invitae Variant Classification Sherloc (09022015). Collection method: clinical testing. Allele origin: germline.

Blueprint Genetics
Classification: Likely benign. Last evaluated: 2024-11-27. Review status: criteria provided, single submitter. Criteria: ACMG Guidelines, 2015. Collection method: clinical testing. Allele origin: germline.

PreventionGenetics, part of Exact Sciences
Classification: Likely benign for CEP164-related condition. Last evaluated: 2024-11-06. Review status: criteria provided, single submitter. Criteria: ACMG Guidelines, 2015. Collection method: clinical testing. Allele origin: germline.
Comment: This variant is classified as likely benign based on ACMG/AMP sequence variant interpretation guidelines (Richards et al. 2015 PMID: 25741868, with internal and published modifications).